The following is an entry in ClinVar:

NM_001134793.2(HYLS1):c.86A>C (p.His29Pro)

Genes: HYLS1 (HYLS1 centriolar and ciliogenesis associated; plus strand), PUS3 (pseudouridine synthase 3; minus strand). Cytogenetic location: 11q24.2.
Variant type: single nucleotide variant.
Coding change: c.86A>C on transcript NM_001134793.2 (MANE Select); coding-DNA position 86, A replaced by C.
Protein change: p.His29Pro; replaces histidine 29 with proline.
Molecular consequence: missense variant. On other transcripts: intron variant (2).
Genome position (GRCh38, 1-based): chr11:125,899,454, A>C. VCF-style: chr11-125899454-A-C. GRCh37 (hg19) VCF-style: chr11-125769349-A-C.
Other names: c.86A>C, p.His29Pro (NM_001377269.1, NM_001377270.1, NM_001424364.1 and 1 more transcripts); c.-246-3665T>G (NM_001271985.2); c.-46-3124T>G (NM_031307.4); short protein forms H29P.
Identifiers: ClinVar variation 303362 (VCV000303362.27), dbSNP rs200146258, ClinGen allele CA6350654.

ClinVar aggregate classification (germline): Benign/Likely benign. Review status: criteria provided, multiple submitters, no conflicts (2 of 4 stars). 3 submissions from 3 submitters: Benign (1); Likely benign (1). 1 of the submissions does not count toward it. Last evaluated 2026-01-22.

Conditions:
Hydrolethalus syndrome. Identifiers: Orphanet 2189, MedGen C2931104, MONDO:0006037.

Allele frequency attached by ClinVar (database versions not stated): TOPMed 0.00009; gnomAD exomes 0.00062 and 0.00126; ExAC 0.00138; 1000 Genomes Project 30x 0.00312; 1000 Genomes Project 0.00339.
gnomAD v4.1: 972 of 1,614,164 alleles (0.06%); highest among the groups gnomAD compares: South Asian, 0.99%; 16 homozygotes.

Submissions (3):

Labcorp Genetics (formerly Invitae), Labcorp
Classification: Benign. Last evaluated: 2026-01-22. Review status: criteria provided, single submitter. Criteria: Invitae Variant Classification Sherloc (09022015). Collection method: clinical testing. Allele origin: germline.

CeGaT Center for Human Genetics Tuebingen
Classification: Likely benign. Last evaluated: 2024-10-01. Review status: criteria provided, single submitter. Criteria: CeGaT Center For Human Genetics Tuebingen Variant Classification Criteria Version 2. Collection method: clinical testing. Allele origin: germline. Affected: yes. Observed: 1 variant allele.
Comment: HYLS1: BP4, BS2

Natera, Inc.
Classification: Benign for Hydrolethalus syndrome. Last evaluated: 2020-04-13. Review status: no assertion criteria provided. Collection method: clinical testing. Allele origin: germline. Not counted in ClinVar's aggregate classification.